The following is an entry in ClinVar:

ClinVar aggregate classification (germline): Conflicting classifications of pathogenicity. Review status: criteria provided, conflicting classifications (1 of 4 stars). 6 submissions from 6 submitters: Uncertain significance (1); Benign (2); Likely benign (1). 2 of the submissions do not count toward it. Last evaluated 2026-01-20.

Conditions:
Primary ciliary dyskinesia 3. Identifiers: Orphanet 244, MedGen C1837618, MONDO:0012085, OMIM 608644.
DNAH5-related disorder. Also called: DNAH5-related condition.
Primary ciliary dyskinesia. Also called: Ciliary dyskinesia. Identifiers: Orphanet 244, MedGen C0008780, MONDO:0016575, HP:0012265.

Allele frequency attached by ClinVar (database versions not stated): ESP Exome Variant Server 0.00008; gnomAD 0.00029 and 0.00034; 1000 Genomes Project 30x 0.00031; TOPMed 0.00036; 1000 Genomes Project 0.00040; gnomAD exomes 0.00089; ExAC 0.00103.
gnomAD v4.1: 489 of 1,555,946 alleles (0.031%); highest among the groups gnomAD compares: East Asian, 0.69%; 2 homozygotes.

Submissions (6):

Labcorp Genetics (formerly Invitae), Labcorp
Classification: Benign for Primary ciliary dyskinesia. Last evaluated: 2026-01-20. Review status: criteria provided, single submitter. Criteria: Invitae Variant Classification Sherloc (09022015). Collection method: clinical testing. Allele origin: germline.

Blueprint Genetics
Classification: Likely benign. Last evaluated: 2024-11-22. Review status: criteria provided, single submitter. Criteria: ACMG Guidelines, 2015. Collection method: clinical testing. Allele origin: germline.

Ambry Genetics
Classification: Benign for Primary ciliary dyskinesia. Last evaluated: 2018-03-30. Review status: criteria provided, single submitter. Criteria: Ambry Variant Classification Scheme 2023. Collection method: clinical testing. Allele origin: germline.

Illumina Laboratory Services, Illumina
Classification: Uncertain significance for Primary ciliary dyskinesia 3. Last evaluated: 2018-01-12. Review status: criteria provided, single submitter. Criteria: ICSL Variant Classification Criteria 13 December 2019. Collection method: clinical testing. Allele origin: germline.

PreventionGenetics, part of Exact Sciences
Classification: Likely benign for DNAH5-related condition. Last evaluated: 2023-12-15. Review status: no assertion criteria provided. Collection method: clinical testing. Allele origin: germline. Not counted in ClinVar's aggregate classification.
Comment: This variant is classified as likely benign based on ACMG/AMP sequence variant interpretation guidelines (Richards et al. 2015 PMID: 25741868, with internal and published modifications).

Natera, Inc.
Classification: Benign for Primary ciliary dyskinesia. Last evaluated: 2020-01-01. Review status: no assertion criteria provided. Collection method: clinical testing. Allele origin: germline. Not counted in ClinVar's aggregate classification.

NM_001369.3(DNAH5):c.1126G>T (p.Ala376Ser)

Gene: DNAH5 (dynein axonemal heavy chain 5; minus strand). Cytogenetic location: 5p15.2.
Variant type: single nucleotide variant.
Coding change: c.1126G>T on transcript NM_001369.3 (MANE Select); coding-DNA position 1126, G replaced by T.
Protein change: p.Ala376Ser; replaces alanine 376 with serine.
Molecular consequence: missense variant.
Genome position (GRCh38, 1-based): chr5:13,916,419, C>A on the plus strand (G>T on the coding strand, the complement: DNAH5 is on the minus strand). VCF-style: chr5-13916419-C-A. GRCh37 (hg19) VCF-style: chr5-13916528-C-A.
Other names: short protein forms A376S.
Identifiers: ClinVar variation 698040 (VCV000698040.21), dbSNP rs201469505, ClinGen allele CA3204948.